The following is an entry in ClinVar:

ClinVar aggregate classification (germline): Uncertain significance (1 of 4 stars; one submission).

Allele frequency attached by ClinVar (database versions not stated): gnomAD exomes below 0.00001.
gnomAD v4.1: 2 of 1,614,090 alleles (0.00012%); highest among the groups gnomAD compares: Non-Finnish European, 0.00017%; no homozygotes.

Submission:

GeneDx
Classification: Uncertain significance. Last evaluated: 2021-10-26. Review status: criteria provided, single submitter. Criteria: GeneDx Variant Classification Process June 2021. Collection method: clinical testing. Allele origin: germline. Affected: yes.
Comment: Not observed in large population cohorts (Lek et al., 2016); In silico analysis supports that this missense variant has a deleterious effect on protein structure/function; Has not been previously published as pathogenic or benign to our knowledge

NM_001348768.2(HECW2):c.3584C>G (p.Ala1195Gly)

Gene: HECW2 (HECT, C2 and WW domain containing E3 ubiquitin protein ligase 2; minus strand). Cytogenetic location: 2q32.3.
Variant type: single nucleotide variant.
Coding change: c.3584C>G on transcript NM_001348768.2 (MANE Select); coding-DNA position 3584, C replaced by G.
Protein change: p.Ala1195Gly; replaces alanine 1195 with glycine.
Molecular consequence: missense variant.
Genome position (GRCh38, 1-based): chr2:196,242,150, G>C on the plus strand (C>G on the coding strand, the complement: HECW2 is on the minus strand). VCF-style: chr2-196242150-G-C. GRCh37 (hg19) VCF-style: chr2-197106874-G-C.
Other names: c.2516C>G, p.Ala839Gly (NM_001304840.3); c.3584C>G, p.Ala1195Gly (NM_020760.4); short protein forms A1195G, A839G.
Identifiers: ClinVar variation 1320684 (VCV001320684.2), dbSNP rs2105883939, ClinGen allele CA349955058.